The following is an entry in ClinVar:

ClinVar aggregate classification (germline): Uncertain significance (1 of 4 stars; one submission).

Conditions:
ADCY3-related disorder. Also called: ADCY3-related condition.

Submission:

PreventionGenetics, part of Exact Sciences
Classification: Uncertain significance for ADCY3-related condition. Last evaluated: 2025-03-09. Review status: criteria provided, single submitter. Criteria: ACMG Guidelines, 2015. Collection method: clinical testing. Allele origin: germline.
Comment: The ADCY3 c.3255+2dupT variant is predicted to result in an intronic duplication. Although this variant does not change the canonical splice donor site it is predicted to decrease the strength of the canonical splice donor site (SpliceAI, Jaganathan et al. 2019. PubMed ID: 30661751). To our knowledge, this variant has not been reported in the literature. This variant is reported in 0.0033% of alleles in individuals of South Asian descent in gnomAD. At this time, the clinical significance of this variant is uncertain due to the absence of conclusive functional and genetic evidence.

NM_004036.5(ADCY3):c.3252+2dup

Genes: ADCY3 (adenylate cyclase 3; minus strand), CENPO (centromere protein O; plus strand). Cytogenetic location: 2p23.3.
Variant type: Duplication.
Coding change: c.3252+2dup on transcript NM_004036.5 (MANE Select); the canonical splice donor site of the intron after coding-DNA position 3252, one base duplicated (T; older notation c.3252+2dupT).
Molecular consequence: splice donor variant. On other transcripts: 3 prime UTR variant (3), non-coding transcript variant (3).
Genome position (GRCh38, 1-based): chr2:24,820,722, A duplicated on the plus strand (T on the coding strand, the reverse complement: ADCY3 is on the minus strand). VCF-style (leftmost placement, unchanged base first): chr2-24820721-T-TA. GRCh37 (hg19) VCF-style: chr2-25043590-T-TA.
Other names: c.*1404dup (NM_001199803.3, NM_001322101.2, NM_024322.4); c.2700+2dup (NM_001377130.1); c.3114+2dup (NM_001377129.1); c.3255+2dup (NM_001320613.2); c.3318+2dup (NM_001377128.1); c.3252+2dup (NM_001377132.1); c.2529+2dup (NM_001377131.1).
Identifiers: ClinVar variation 5001353 (VCV005001353.1).